The following is an entry in ClinVar:

NM_001378778.1(MPDZ):c.3835G>T (p.Asp1279Tyr)

Gene: MPDZ (multiple PDZ domain crumbs cell polarity complex component; minus strand). Cytogenetic location: 9p23.
Variant type: single nucleotide variant.
Coding change: c.3835G>T on transcript NM_001378778.1 (MANE Select); coding-DNA position 3835, G replaced by T.
Protein change: p.Asp1279Tyr; replaces aspartic acid 1279 with tyrosine.
Molecular consequence: missense variant. On other transcripts: intron variant (14).
Genome position (GRCh38, 1-based): chr9:13,143,471, C>A on the plus strand (G>T on the coding strand, the complement: MPDZ is on the minus strand). VCF-style: chr9-13143471-C-A. GRCh37 (hg19) VCF-style: chr9-13143470-C-A.
Other names: c.3835G>T, p.Asp1279Tyr (NM_001330637.2, NM_001375413.1, NM_003829.5); c.3631-3322G>T (NM_001375425.1, NM_001375420.1, NM_001375423.1 and 4 more transcripts); c.3742-3322G>T (NM_001375419.1, NM_001375416.1, NM_001375418.1 and 3 more transcripts); c.3433-3322G>T (NM_001375427.1); short protein forms D1279Y.
Identifiers: ClinVar variation 1399175 (VCV001399175.5), dbSNP rs375691479, ClinGen allele CA4986954.

ClinVar aggregate classification (germline): Uncertain significance (1 of 4 stars; one submission).

Allele frequency attached by ClinVar (database versions not stated): ESP Exome Variant Server 0.00008.
gnomAD v4.1: 66 of 1,610,480 alleles (0.0041%); highest among the groups gnomAD compares: Non-Finnish European, 0.0054%; no homozygotes.

Submission:

Labcorp Genetics (formerly Invitae), Labcorp
Classification: Uncertain significance. Last evaluated: 2022-08-16. Review status: criteria provided, single submitter. Criteria: Invitae Variant Classification Sherloc (09022015). Collection method: clinical testing. Allele origin: germline.
Comment: This sequence change replaces aspartic acid, which is acidic and polar, with tyrosine, which is neutral and polar, at codon 1279 of the MPDZ protein (p.Asp1279Tyr). This variant is present in population databases (rs375691479, gnomAD 0.01%). This variant has not been reported in the literature in individuals affected with MPDZ-related conditions. ClinVar contains an entry for this variant (Variation ID: 1399175). Algorithms developed to predict the effect of missense changes on protein structure and function are either unavailable or do not agree on the potential impact of this missense change (SIFT: "Deleterious"; PolyPhen-2: "Benign"; Align-GVGD: "Class C65"). In summary, the available evidence is currently insufficient to determine the role of this variant in disease. Therefore, it has been classified as a Variant of Uncertain Significance.